The following is an entry in ClinVar:

ClinVar aggregate classification (germline): Conflicting classifications of pathogenicity. Review status: criteria provided, conflicting classifications (1 of 4 stars). 3 submissions from 3 submitters: Uncertain significance (1); Likely benign (2). Last evaluated 2025-02-10.

Conditions:
Inborn genetic diseases. Identifiers: MedGen C0950123, MeSH D030342.
Autosomal dominant nonsyndromic hearing loss 4A. Also called: Deafness, autosomal dominant 4A. Identifiers: Orphanet 90635, MedGen C1833503, MONDO:0010915, OMIM 600652.

Allele frequency attached by ClinVar (database versions not stated): TOPMed below 0.00001; 1000 Genomes Project 30x 0.00016; 1000 Genomes Project 0.00020.

Submissions (3):

Labcorp Genetics (formerly Invitae), Labcorp
Classification: Likely benign. Last evaluated: 2025-02-10. Review status: criteria provided, single submitter. Criteria: Invitae Variant Classification Sherloc (09022015). Collection method: clinical testing. Allele origin: germline.

Ambry Genetics
Classification: Uncertain significance for Inborn genetic diseases. Last evaluated: 2024-04-08. Review status: criteria provided, single submitter. Criteria: Ambry Variant Classification Scheme 2023. Collection method: clinical testing. Allele origin: germline.

Illumina Laboratory Services, Illumina
Classification: Likely benign for Autosomal dominant nonsyndromic hearing loss 4A. Last evaluated: 2018-01-13. Review status: criteria provided, single submitter. Criteria: ICSL Variant Classification Criteria 13 December 2019. Collection method: clinical testing. Allele origin: germline.
Comment: This variant was observed in the ICSL laboratory as part of a predisposition screen in an ostensibly healthy population. It had not been previously curated by ICSL or reported in the Human Gene Mutation Database (HGMD: prior to June 1st, 2018), and was therefore a candidate for classification through an automated scoring system. Utilizing variant allele frequency, disease prevalence and penetrance estimates, and inheritance mode, an automated score was calculated to assess if this variant is too frequent to cause the disease. Based on the score and internal cut-off values, a variant classified as likely benign is not then subjected to further curation. The score for this variant resulted in a classification of likely benign for this disease.

NM_001145809.2(MYH14):c.5384G>T (p.Arg1795Leu)

Gene: MYH14 (myosin heavy chain 14; plus strand). Cytogenetic location: 19q13.33.
Variant type: single nucleotide variant.
Coding change: c.5384G>T on transcript NM_001145809.2 (MANE Select); coding-DNA position 5384, G replaced by T.
Protein change: p.Arg1795Leu; replaces arginine 1795 with leucine.
Molecular consequence: missense variant.
Genome position (GRCh38, 1-based): chr19:50,293,602, G>T. VCF-style: chr19-50293602-G-T. GRCh37 (hg19) VCF-style: chr19-50796859-G-T.
Other names: c.5285G>T, p.Arg1762Leu (NM_001077186.2); c.5261G>T, p.Arg1754Leu (NM_024729.4); short protein forms R1762L, R1754L, R1795L.
Identifiers: ClinVar variation 892934 (VCV000892934.6), dbSNP rs567922009, ClinGen allele CA9593781.